The following is an entry in ClinVar:

ClinVar aggregate classification (germline): Uncertain significance. Review status: criteria provided, multiple submitters, no conflicts (2 of 4 stars). 2 submissions from 2 submitters: Uncertain significance (2). Last evaluated 2024-09-30.

Allele frequency attached by ClinVar (database versions not stated): gnomAD exomes below 0.00001; TOPMed 0.00002.

Submissions (2):

Ambry Genetics
Classification: Uncertain significance. Last evaluated: 2024-09-30. Review status: criteria provided, single submitter. Criteria: Ambry Variant Classification Scheme 2023. Collection method: clinical testing. Allele origin: germline.

Labcorp Genetics (formerly Invitae), Labcorp
Classification: Uncertain significance. Last evaluated: 2022-07-05. Review status: criteria provided, single submitter. Criteria: Invitae Variant Classification Sherloc (09022015). Collection method: clinical testing. Allele origin: germline.
Comment: In summary, the available evidence is currently insufficient to determine the role of this variant in disease. Therefore, it has been classified as a Variant of Uncertain Significance. Algorithms developed to predict the effect of missense changes on protein structure and function (SIFT, PolyPhen-2, Align-GVGD) all suggest that this variant is likely to be tolerated. ClinVar contains an entry for this variant (Variation ID: 1004874). This variant has not been reported in the literature in individuals affected with DHX38-related conditions. This variant is present in population databases (no rsID available, gnomAD 0.003%). This sequence change replaces glutamic acid, which is acidic and polar, with glycine, which is neutral and non-polar, at codon 94 of the DHX38 protein (p.Glu94Gly).

NM_014003.4(DHX38):c.281A>G (p.Glu94Gly)

Gene: DHX38 (DEAH-box helicase 38; plus strand). Cytogenetic location: 16q22.2.
Variant type: single nucleotide variant.
Coding change: c.281A>G on transcript NM_014003.4 (MANE Select); coding-DNA position 281, A replaced by G.
Protein change: p.Glu94Gly; replaces glutamic acid 94 with glycine.
Molecular consequence: missense variant.
Genome position (GRCh38, 1-based): chr16:72,096,438, A>G. VCF-style: chr16-72096438-A-G. GRCh37 (hg19) VCF-style: chr16-72130337-A-G.
Other names: c.281A>G (NM_014003.3); short protein forms E94G.
Identifiers: ClinVar variation 1004874 (VCV001004874.9), dbSNP rs1408908621, ClinGen allele CA396700353.